The following is an entry in ClinVar:

ClinVar aggregate classification (germline): Uncertain significance (1 of 4 stars; one submission).

Conditions:
Primary ciliary dyskinesia. Also called: Ciliary dyskinesia. Identifiers: Orphanet 244, MedGen C0008780, MONDO:0016575, HP:0012265.

Submission:

Labcorp Genetics (formerly Invitae), Labcorp
Classification: Uncertain significance for Primary ciliary dyskinesia. Last evaluated: 2024-04-15. Review status: criteria provided, single submitter. Criteria: Invitae Variant Classification Sherloc (09022015). Collection method: clinical testing. Allele origin: germline.
Comment: This sequence change replaces glutamine, which is neutral and polar, with arginine, which is basic and polar, at codon 130 of the RSPH4A protein (p.Gln130Arg). This variant is not present in population databases (gnomAD no frequency). This variant has not been reported in the literature in individuals affected with RSPH4A-related conditions. ClinVar contains an entry for this variant (Variation ID: 2109740). An algorithm developed to predict the effect of missense changes on protein structure and function (PolyPhen-2) suggests that this variant is likely to be tolerated. In summary, the available evidence is currently insufficient to determine the role of this variant in disease. Therefore, it has been classified as a Variant of Uncertain Significance.

NM_001010892.3(RSPH4A):c.389A>G (p.Gln130Arg)

Gene: RSPH4A (radial spoke head component 4A; plus strand). Cytogenetic location: 6q22.1.
Variant type: single nucleotide variant.
Coding change: c.389A>G on transcript NM_001010892.3 (MANE Select); coding-DNA position 389, A replaced by G.
Protein change: p.Gln130Arg; replaces glutamine 130 with arginine.
Molecular consequence: missense variant.
Genome position (GRCh38, 1-based): chr6:116,617,012, A>G. VCF-style: chr6-116617012-A-G. GRCh37 (hg19) VCF-style: chr6-116938175-A-G.
Other names: c.389A>G, p.Gln130Arg (NM_001161664.2); short protein forms Q130R.
Identifiers: ClinVar variation 2109740 (VCV002109740.4), dbSNP rs2482778128, ClinGen allele CA365392627.
Genomic context (GRCh38, chr6:116,617,012, plus strand): 5'-CGGACAGGACCACGAGTGTGATTCCTGAAGCTGGGACACCTTATCCTGATCCTTTGGAAC[A>G]ATCATCTGATAAAAGAGAATCAACTCCTCATCACACAAGCCAGTCAGAAGGAAACACCTT-3'
Protein context (NP_001010892.1, residues 120-140): AGTPYPDPLE[Gln130Arg]SSDKRESTPH